The following is an entry in ClinVar:

NM_001130009.3(GEN1):c.841T>G (p.Cys281Gly)

Gene: GEN1 (GEN1 structure-specific endonuclease; plus strand). Cytogenetic location: 2p24.2.
Variant type: single nucleotide variant.
Coding change: c.841T>G on transcript NM_001130009.3 (MANE Select); coding-DNA position 841, T replaced by G.
Protein change: p.Cys281Gly; replaces cysteine 281 with glycine.
Molecular consequence: missense variant.
Genome position (GRCh38, 1-based): chr2:17,772,672, T>G. VCF-style: chr2-17772672-T-G. GRCh37 (hg19) VCF-style: chr2-17953939-T-G.
Other names: c.841T>G, p.Cys281Gly (NM_182625.5); short protein forms C281G.
Identifiers: ClinVar variation 4844982 (VCV004844982.1).

ClinVar aggregate classification (germline): Uncertain significance (1 of 4 stars; one submission).

Submission:

Ambry Genetics
Classification: Uncertain significance. Last evaluated: 2026-02-16. Review status: criteria provided, single submitter. Criteria: Ambry Variant Classification Scheme 2023. Collection method: clinical testing. Allele origin: germline.
Comment: The p.C281G variant (also known as c.841T>G), located in coding exon 7 of the GEN1 gene, results from a T to G substitution at nucleotide position 841. The cysteine at codon 281 is replaced by glycine, an amino acid with highly dissimilar properties. This amino acid position is conserved. In addition, this alteration is predicted to be deleterious by in silico analysis. Based on the available evidence, the clinical significance of this variant remains unclear.